The following is an entry in ClinVar:

ClinVar aggregate classification (germline): Likely benign (0 of 4 stars; one submission).

Conditions:
PLXNA3-related disorder. Also called: PLXNA3-related condition.

Allele frequency attached by ClinVar (database versions not stated): gnomAD exomes below 0.00001; ExAC 0.00001; gnomAD 0.00002; TOPMed 0.00003.
gnomAD v4.1: 6 of 1,202,869 alleles (0.0005%); highest among the groups gnomAD compares: African/African-American, 0.0035%; no homozygotes.

Submission:

PreventionGenetics, part of Exact Sciences
Classification: Likely benign for PLXNA3-related condition. Last evaluated: 2022-02-22. Review status: no assertion criteria provided. Collection method: clinical testing. Allele origin: germline.
Comment: This variant is classified as likely benign based on ACMG/AMP sequence variant interpretation guidelines (Richards et al. 2015 PMID: 25741868, with internal and published modifications).

NM_017514.5(PLXNA3):c.2331C>T (p.Pro777=)

Gene: PLXNA3 (plexin A3; plus strand). Cytogenetic location: Xq28.
Variant type: single nucleotide variant.
Coding change: c.2331C>T on transcript NM_017514.5 (MANE Select); coding-DNA position 2331, C replaced by T.
Protein change: p.Pro777=; no amino-acid change (proline 777 retained).
Molecular consequence: synonymous variant.
Genome position (GRCh38, 1-based): chrX:154,465,510, C>T. VCF-style: chrX-154465510-C-T. GRCh37 (hg19) VCF-style: chrX-153693853-C-T.
Identifiers: ClinVar variation 3029872 (VCV003029872.2), dbSNP rs781810524, ClinGen allele CA10564342.